The following is an entry in ClinVar:

ClinVar aggregate classification (germline): Uncertain significance (1 of 4 stars; one submission).

Allele frequency attached by ClinVar (database versions not stated): gnomAD exomes 0.00023; gnomAD 0.00026; ExAC 0.00028; TOPMed 0.00028.
gnomAD v4.1: 379 of 1,613,666 alleles (0.023%); highest among the groups gnomAD compares: Middle Eastern, 0.53%; 2 homozygotes.

Submission:

Ambry Genetics
Classification: Uncertain significance. Last evaluated: 2026-08-03. Review status: criteria provided, single submitter. Criteria: Ambry Variant Classification Scheme 2023. Collection method: clinical testing. Allele origin: germline.
Comment: The c.1307A>C (p.E436A) alteration is located in exon 4 (coding exon 2) of the ZBTB4 gene. This alteration results from a A to C substitution at nucleotide position 1307, causing the glutamic acid (E) at amino acid position 436 to be replaced by an alanine (A). Based on data from gnomAD, the C allele has an overall frequency of 0.027% (76/280278) total alleles studied. The highest observed frequency was 0.07% (5/7134) of Other alleles. Based on insufficient or conflicting evidence, the clinical significance of this alteration remains unclear.

NM_001128833.2(ZBTB4):c.1307A>C (p.Glu436Ala)

Gene: ZBTB4 (zinc finger and BTB domain containing 4; minus strand). Cytogenetic location: 17p13.1.
Variant type: single nucleotide variant.
Coding change: c.1307A>C on transcript NM_001128833.2 (MANE Select); coding-DNA position 1307, A replaced by C.
Protein change: p.Glu436Ala; replaces glutamic acid 436 with alanine.
Molecular consequence: missense variant.
Genome position (GRCh38, 1-based): chr17:7,463,675, T>G on the plus strand (A>C on the coding strand, the complement: ZBTB4 is on the minus strand). VCF-style: chr17-7463675-T-G. GRCh37 (hg19) VCF-style: chr17-7366994-T-G.
Other names: c.1307A>C, p.Glu436Ala (NM_020899.4); short protein forms E436A.
Identifiers: ClinVar variation 2348736 (VCV002348736.4), dbSNP rs200263417, ClinGen allele CA8348463.